The following is an entry in ClinVar:

ClinVar aggregate classification (germline): Conflicting classifications of pathogenicity. Review status: criteria provided, conflicting classifications (1 of 4 stars). 6 submissions from 5 submitters: Uncertain significance (1); Benign (1); Likely benign (3). 1 of the submissions does not count toward it. Last evaluated 2026-05-01.

Conditions:
GTP cyclohydrolase I deficiency. Identifiers: MedGen C0268467, MONDO:0100184.
Dystonia 5 (DRD). Also called: DYSTONIA, PROGRESSIVE, WITH DIURNAL VARIATION; DYSTONIA-PARKINSONISM WITH DIURNAL FLUCTUATION; Dystonia, DOPA-responsive, with or without hyperphenylalaninemia; DYT-GCH1; GTP Cyclohydrolase 1-Deficient Dopa-Responsive Dystonia. Identifiers: Orphanet 98808, MedGen C1851920, MONDO:0007495, OMIM 128230.
GCH1-related disorder. Also called: GCH1-related condition.

Allele frequency attached by ClinVar (database versions not stated): gnomAD 0.00003 and 0.00004; TOPMed 0.00005; gnomAD exomes 0.00009 and 0.00011; ExAC 0.00013.

Submissions (6):

CeGaT Center for Human Genetics Tuebingen
Classification: Likely benign. Last evaluated: 2026-05-01. Review status: criteria provided, single submitter. Criteria: CeGaT Center For Human Genetics Tuebingen Variant Classification Criteria Version 2. Collection method: clinical testing. Allele origin: germline. Affected: yes. Observed: 1 variant allele.
Comment: GCH1: BP4

Labcorp Genetics (formerly Invitae), Labcorp
Classification: Likely benign for GTP cyclohydrolase I deficiency; Dystonia 5. Last evaluated: 2026-01-19. Review status: criteria provided, single submitter. Criteria: Invitae Variant Classification Sherloc (09022015). Collection method: clinical testing. Allele origin: germline.

Blueprint Genetics
Classification: Likely benign. Last evaluated: 2024-11-26. Review status: criteria provided, single submitter. Criteria: ACMG Guidelines, 2015. Collection method: clinical testing. Allele origin: germline.

Illumina Laboratory Services, Illumina
Classification: Uncertain significance for GTP cyclohydrolase I deficiency with hyperphenylalaninemia. Last evaluated: 2018-01-13. Review status: criteria provided, single submitter. Criteria: ICSL Variant Classification Criteria 13 December 2019. Collection method: clinical testing. Allele origin: germline.

Illumina Laboratory Services, Illumina
Classification: Benign for Dystonia 5. Last evaluated: 2018-01-13. Review status: criteria provided, single submitter. Criteria: ICSL Variant Classification Criteria 13 December 2019. Collection method: clinical testing. Allele origin: germline.
Comment: This variant was observed in the ICSL laboratory as part of a predisposition screen in an ostensibly healthy population. It had not been previously curated by ICSL or reported in the Human Gene Mutation Database (HGMD: prior to June 1st, 2018), and was therefore a candidate for classification through an automated scoring system. Utilizing variant allele frequency, disease prevalence and penetrance estimates, and inheritance mode, an automated score was calculated to assess if this variant is too frequent to cause the disease. Based on the score and internal cut-off values, a variant classified as benign is not then subjected to further curation. The score for this variant resulted in a classification of benign for this disease.

PreventionGenetics, part of Exact Sciences
Classification: Likely benign for GCH1-related condition. Last evaluated: 2022-11-01. Review status: no assertion criteria provided. Collection method: clinical testing. Allele origin: germline. Not counted in ClinVar's aggregate classification.
Comment: This variant is classified as likely benign based on ACMG/AMP sequence variant interpretation guidelines (Richards et al. 2015 PMID: 25741868, with internal and published modifications).

NM_000161.3(GCH1):c.509+8T>A

Gene: GCH1 (GTP cyclohydrolase 1; minus strand). Cytogenetic location: 14q22.2.
Variant type: single nucleotide variant.
Coding change: c.509+8T>A on transcript NM_000161.3 (MANE Select); 8 bases into the intron after coding-DNA position 509, T replaced by A.
Molecular consequence: intron variant.
Genome position (GRCh38, 1-based): chr14:54,859,673, A>T on the plus strand (T>A on the coding strand, the complement: GCH1 is on the minus strand). VCF-style: chr14-54859673-A-T. GRCh37 (hg19) VCF-style: chr14-55326391-A-T.
Other names: c.509+8T>A (NM_001024071.2, NM_001024070.2, NM_001024024.2).
Identifiers: ClinVar variation 313394 (VCV000313394.18), dbSNP rs753570450, ClinGen allele CA7193577.